The following is an entry in ClinVar:

NM_000268.4(NF2):c.364G>A (p.Val122Ile)

Gene: NF2 (NF2, moesin-ezrin-radixin like (MERLIN) tumor suppressor; plus strand). Cytogenetic location: 22q12.2.
Variant type: single nucleotide variant.
Coding change: c.364G>A on transcript NM_000268.4 (MANE Select); coding-DNA position 364, G replaced by A.
Protein change: p.Val122Ile; replaces valine 122 with isoleucine.
Molecular consequence: missense variant. On other transcripts: 5 prime UTR variant (1), non-coding transcript variant (1).
Genome position (GRCh38, 1-based): chr22:29,642,202, G>A. VCF-style: chr22-29642202-G-A. GRCh37 (hg19) VCF-style: chr22-30038191-G-A.
Other names: c.250G>A, p.Val84Ile (NM_001407053.1, NM_001407056.1); c.241G>A, p.Val81Ile (NM_001407054.1, NM_001407058.1, NM_001407062.1 and 1 more transcripts); c.238G>A, p.Val80Ile (NM_001407055.1, NM_181828.3); c.364G>A, p.Val122Ile (NM_001407057.1, NM_001407059.1, NM_001407060.1 and 5 more transcripts); c.115G>A, p.Val39Ile (NM_001407063.1, NM_001407064.1, NM_181830.3 and 1 more transcripts); c.-277G>A (NM_001407065.1); c.133G>A, p.Val45Ile (NM_001407067.1); short protein forms V122I, V84I, V39I, V80I, V45I, V81I.
Identifiers: ClinVar variation 5025692 (VCV005025692.1).
Genomic context (GRCh38, chr22:29,642,202, plus strand): 5'-CAGCCTACACACCTCACTTCCACTCACAGAGTATCATGTCTCCCTTGTTGCTCCTTTCAG[G>A]TAAAGAAGCAGATTTTAGATGAAAAGATCTACTGCCCTCCTGAGGCTTCTGTGCTCCTGG-3'
Protein context (NP_000259.1, residues 112-132): EITQHLFFLQ[Val122Ile]KKQILDEKIY

ClinVar aggregate classification (germline): Uncertain significance (1 of 4 stars; one submission).

Conditions:
Hereditary cancer-predisposing syndrome. Also called: Neoplastic Syndromes, Hereditary; Tumor predisposition; Hereditary neoplastic syndrome; Hereditary Cancer Syndrome. Identifiers: Orphanet 140162, MedGen C0027672, MeSH D009386, MONDO:0015356.

Submission:

Ambry Genetics
Classification: Uncertain significance for Hereditary cancer-predisposing syndrome. Last evaluated: 2026-07-06. Review status: criteria provided, single submitter. Criteria: Ambry Variant Classification Scheme 2023. Collection method: clinical testing. Allele origin: germline.
Comment: The p.V122I variant (also known as c.364G>A) is located in coding exon 4 of the NF2 gene. The valine at codon 122 is replaced by isoleucine, an amino acid with highly similar properties. This change occurs in the first base pair of coding exon 4. This amino acid position is conserved. In addition, the in silico prediction for this alteration is inconclusive. Based on the available evidence, the clinical significance of this variant remains unclear.